The following is an entry in ClinVar:

ClinVar aggregate classification (germline): Pathogenic (1 of 4 stars; one submission).

Submission:

Athena Diagnostics
Classification: Pathogenic. Last evaluated: 2020-04-13. Review status: criteria provided, single submitter. Criteria: Athena Diagnostics Criteria. Collection method: clinical testing. Allele origin: unknown.
Comment: The variant results in a shift of the reading frame, and is therefore predicted to result in the loss of a functional protein. Found in at least one patient with expected phenotype for this gene, and not found in general population data.

NM_001042492.3(NF1):c.3222_3223del (p.Glu1074fs)

Gene: NF1 (neurofibromin 1; plus strand). Cytogenetic location: 17q11.2.
Variant type: Deletion.
Coding change: c.3222_3223del on transcript NM_001042492.3 (MANE Select); coding-DNA positions 3222 to 3223, 2 bases deleted (AG; older notation c.3222_3223delAG).
Protein change: p.Glu1074fs; shifts the reading frame from glutamic acid 1074.
Molecular consequence: frameshift variant.
Genome position (GRCh38, 1-based): chr17:31,232,097-31,232,098, AG deleted. VCF-style (leftmost placement, unchanged base first): chr17-31232096-AAG-A. GRCh37 (hg19) VCF-style: chr17-29559114-AAG-A.
Other names: c.3222_3223delAG, p.Glu1074Aspfs (NM_000267.4); short protein forms E1074fs.
Identifiers: ClinVar variation 995187 (VCV000995187.1), dbSNP rs2067122558, ClinGen allele CA1139665333.
Genomic context (GRCh38, chr17:31,232,096, plus strand): 5'-TCTCTAAATTTTTTTTTTTTTTTTTTTTTTTTTTCAGAGATTTGGACCAGGCAAGCATGG[AAG>A]CAGTAGTTTCACTTCTAGCTGGTCTCCCTCTGCAGCCTGAAGAAGGAGATGGTGTGGAAT-3'